The following is an entry in ClinVar:

ClinVar aggregate classification (germline): Uncertain significance. Review status: criteria provided, single submitter (1 of 4 stars). 2 submissions from 2 submitters: Uncertain significance (1). 1 of the submissions does not count toward it. Last evaluated 2020-09-02.

Conditions:
Ventriculomegaly-cystic kidney disease. Also called: Ventriculomegaly with cystic kidney disease. Identifiers: Orphanet 443988, MedGen C1857423, MONDO:0009063, OMIM 219730.
Focal segmental glomerulosclerosis 9 (FSGS9). Identifiers: Orphanet 656, MedGen C4015555, MONDO:0014539, OMIM 616220.

Allele frequency attached by ClinVar (database versions not stated): gnomAD exomes below 0.00001.
gnomAD v4.1: 1 of 1,613,150 alleles (0.000062%); highest among the groups gnomAD compares: East Asian, 0.0022%; no homozygotes.

Submissions (2):

Baylor Genetics
Classification: Uncertain significance for Ventriculomegaly-cystic kidney disease. Last evaluated: 2020-09-02. Review status: criteria provided, single submitter. Criteria: ACMG Guidelines, 2015. Collection method: clinical testing. Allele origin: unknown. Affected: yes.
Comment: This variant was determined to be of uncertain significance according to ACMG Guidelines, 2015 [PMID:25741868].

OMIM
Classification: Pathogenic for FOCAL SEGMENTAL GLOMERULOSCLEROSIS 9. Last evaluated: 2015-01-08. Review status: no assertion criteria provided. Collection method: literature only. Allele origin: germline. Not counted in ClinVar's aggregate classification.

Literature cited by the submitters: PubMed 25557779 (cited by OMIM).

NM_173689.7(CRB2):c.1859G>C (p.Cys620Ser)

Gene: CRB2 (crumbs cell polarity complex component 2; plus strand). Cytogenetic location: 9q33.3.
Variant type: single nucleotide variant.
Coding change: c.1859G>C on transcript NM_173689.7 (MANE Select); coding-DNA position 1859, G replaced by C.
Protein change: p.Cys620Ser; replaces cysteine 620 with serine.
Molecular consequence: missense variant. On other transcripts: non-coding transcript variant (1).
Genome position (GRCh38, 1-based): chr9:123,370,912, G>C. VCF-style: chr9-123370912-G-C. GRCh37 (hg19) VCF-style: chr9-126133191-G-C.
Other names: short protein forms C620S.
Identifiers: ClinVar variation 180699 (VCV000180699.2), dbSNP rs879255250, ClinGen allele CA10575685.
Genomic context (GRCh38, chr9:123,370,912, plus strand): 5'-TCCTGGGCTGTGAGCGCCGAGAGCAGTGCCGGCCTCTGCCTTGTGTCCACGGAGGGTCCT[G>C]TGTGGATCTGTGGACTCATTTCCGTTGCGACTGTGCCCGGCCCCATAGAGGTCCCACGTG-3'
Protein context (NP_775960.4, residues 610-630): RPLPCVHGGS[Cys620Ser]VDLWTHFRCD